The following is an entry in ClinVar:

NM_000038.6(APC):c.1644G>C (p.Leu548Phe)

Gene: APC (APC regulator of Wnt signaling pathway; plus strand). Cytogenetic location: 5q22.2.
Variant type: single nucleotide variant.
Coding change: c.1644G>C on transcript NM_000038.6 (MANE Select); coding-DNA position 1644, G replaced by C.
Protein change: p.Leu548Phe; replaces leucine 548 with phenylalanine.
Molecular consequence: missense variant.
Genome position (GRCh38, 1-based): chr5:112,828,873, G>C. VCF-style: chr5-112828873-G-C. GRCh37 (hg19) VCF-style: chr5-112164570-G-C.
Other names: c.1644G>C (NM_000038.5); c.1644G>C, p.Leu548Phe (NM_001127510.3, NM_001354895.2); c.1590G>C, p.Leu530Phe (NM_001127511.3); c.1698G>C, p.Leu566Phe (NM_001354896.2); c.1674G>C, p.Leu558Phe (NM_001354897.2); c.1569G>C, p.Leu523Phe (NM_001354898.2); c.1560G>C, p.Leu520Phe (NM_001354899.2); c.1521G>C, p.Leu507Phe (NM_001354900.2); and 6 more; short protein forms L265F, L489F, L530F, L566F, L422F, L457F, L388F, L447F.
Identifiers: ClinVar variation 1041944 (VCV001041944.11), dbSNP rs1764009998, ClinGen allele CA16024899.

ClinVar aggregate classification (germline): Uncertain significance. Review status: criteria provided, multiple submitters, no conflicts (2 of 4 stars). 2 submissions from 2 submitters: Uncertain significance (2). Last evaluated 2025-06-16.

Conditions:
Hereditary cancer-predisposing syndrome. Also called: Hereditary Cancer Syndrome; Tumor predisposition; Hereditary neoplastic syndrome; Neoplastic Syndromes, Hereditary. Identifiers: Orphanet 140162, MedGen C0027672, MeSH D009386, MONDO:0015356.
Familial adenomatous polyposis 1 (FAP1). Also called: FAMILIAL ADENOMATOUS POLYPOSIS 1, ATTENUATED; POLYPOSIS, ADENOMATOUS INTESTINAL. Identifiers: MedGen C2713442, MONDO:0021056, OMIM 175100. Disease mechanism: loss of function.

Submissions (2):

Labcorp Genetics (formerly Invitae), Labcorp
Classification: Uncertain significance for Familial adenomatous polyposis 1. Last evaluated: 2025-06-16. Review status: criteria provided, single submitter. Criteria: Invitae Variant Classification Sherloc (09022015). Collection method: clinical testing. Allele origin: germline.
Comment: This sequence change replaces leucine, which is neutral and non-polar, with phenylalanine, which is neutral and non-polar, at codon 548 of the APC protein (p.Leu548Phe). This variant is not present in population databases (gnomAD no frequency). This variant has not been reported in the literature in individuals affected with APC-related conditions. ClinVar contains an entry for this variant (Variation ID: 1041944). Invitae Evidence Modeling of protein sequence and biophysical properties (such as structural, functional, and spatial information, amino acid conservation, physicochemical variation, residue mobility, and thermodynamic stability) indicates that this missense variant is not expected to disrupt APC protein function with a negative predictive value of 95%. In summary, the available evidence is currently insufficient to determine the role of this variant in disease. Therefore, it has been classified as a Variant of Uncertain Significance.

Ambry Genetics
Classification: Uncertain significance for Hereditary cancer-predisposing syndrome. Last evaluated: 2024-07-05. Review status: criteria provided, single submitter. Criteria: Ambry Variant Classification Scheme 2023. Collection method: clinical testing. Allele origin: germline.
Comment: The p.L548F variant (also known as c.1644G>C), located in coding exon 13 of the APC gene, results from a G to C substitution at nucleotide position 1644. The leucine at codon 548 is replaced by phenylalanine, an amino acid with highly similar properties. This amino acid position is conserved. In addition, in silico predictors for this gene do not accurately predict pathogenicity. Based on the available evidence, the clinical significance of this variant remains unclear.